The following is an entry in ClinVar:

NM_000748.3(CHRNB2):c.974C>T (p.Ser325Leu)

Gene: CHRNB2 (cholinergic receptor nicotinic beta 2 subunit; plus strand). Cytogenetic location: 1q21.3.
Variant type: single nucleotide variant.
Coding change: c.974C>T on transcript NM_000748.3 (MANE Select); coding-DNA position 974, C replaced by T.
Protein change: p.Ser325Leu; replaces serine 325 with leucine.
Molecular consequence: missense variant.
Genome position (GRCh38, 1-based): chr1:154,571,797, C>T. VCF-style: chr1-154571797-C-T. GRCh37 (hg19) VCF-style: chr1-154544273-C-T.
Other names: short protein forms S325L.
Identifiers: ClinVar variation 946500 (VCV000946500.6), dbSNP rs1571022546, ClinGen allele CA342631222.

ClinVar aggregate classification (germline): Uncertain significance. Review status: criteria provided, multiple submitters, no conflicts (2 of 4 stars). 2 submissions from 2 submitters: Uncertain significance (2). Last evaluated 2025-05-31.

Conditions:
Familial sleep-related hypermotor epilepsy. Also called: Autosomal Dominant Sleep-Related Hypermotor (Hyperkinetic) Epilepsy. Identifiers: Orphanet 98784, MedGen C3696898, MONDO:0000030.

Allele frequency attached by ClinVar (database versions not stated): gnomAD exomes below 0.00001.
gnomAD v4.1: 1 of 1,614,098 alleles (0.000062%); highest among the groups gnomAD compares: Admixed American, 0.0017%; no homozygotes.

Submissions (2):

GeneDx
Classification: Uncertain significance. Last evaluated: 2025-05-31. Review status: criteria provided, single submitter. Criteria: GeneDx Variant Classification Process June 2021. Collection method: clinical testing. Allele origin: germline. Affected: yes.
Comment: Not observed at significant frequency in large population cohorts (gnomAD); In silico analysis supports that this missense variant has a deleterious effect on protein structure/function; Has not been previously published as pathogenic or benign to our knowledge

Labcorp Genetics (formerly Invitae), Labcorp
Classification: Uncertain significance. Last evaluated: 2021-08-28. Review status: criteria provided, single submitter. Criteria: Invitae Variant Classification Sherloc (09022015). Collection method: clinical testing. Allele origin: germline.